The following is an entry in ClinVar:

ClinVar aggregate classification (germline): Uncertain significance (1 of 4 stars; one submission).

Conditions:
Gorlin syndrome. Also called: Nevoid Basal Cell Carcinoma Syndrome; Basal cell nevus syndrome. Identifiers: Orphanet 377, MedGen C0004779, MONDO:0007187.

Submission:

Labcorp Genetics (formerly Invitae), Labcorp
Classification: Uncertain significance for Gorlin syndrome. Last evaluated: 2019-12-28. Review status: criteria provided, single submitter. Criteria: Invitae Variant Classification Sherloc (09022015). Collection method: clinical testing. Allele origin: germline.
Comment: This sequence change replaces isoleucine with methionine at codon 1255 of the PTCH1 protein (p.Ile1255Met). The isoleucine residue is weakly conserved and there is a small physicochemical difference between isoleucine and methionine. In summary, the available evidence is currently insufficient to determine the role of this variant in disease. Therefore, it has been classified as a Variant of Uncertain Significance. Algorithms developed to predict the effect of missense changes on protein structure and function (SIFT, PolyPhen-2, Align-GVGD) all suggest that this variant is likely to be tolerated, but these predictions have not been confirmed by published functional studies and their clinical significance is uncertain. This variant has not been reported in the literature in individuals with PTCH1-related conditions. This variant is not present in population databases (ExAC no frequency).

NM_000264.5(PTCH1):c.3765C>G (p.Ile1255Met)

Gene: PTCH1 (patched 1; minus strand). Cytogenetic location: 9q22.32.
Variant type: single nucleotide variant.
Coding change: c.3765C>G on transcript NM_000264.5 (MANE Select); coding-DNA position 3765, C replaced by G.
Protein change: p.Ile1255Met; replaces isoleucine 1255 with methionine.
Molecular consequence: missense variant. On other transcripts: non-coding transcript variant (1).
Genome position (GRCh38, 1-based): chr9:95,449,108, G>C on the plus strand (C>G on the coding strand, the complement: PTCH1 is on the minus strand). VCF-style: chr9-95449108-G-C. GRCh37 (hg19) VCF-style: chr9-98211390-G-C.
Other names: c.3567C>G, p.Ile1189Met (NM_001083602.3); c.3762C>G, p.Ile1254Met (NM_001083603.3); c.3312C>G, p.Ile1104Met (NM_001083604.3, NM_001083605.3, NM_001083606.3 and 1 more transcripts); c.3609C>G, p.Ile1203Met (NM_001354918.2); short protein forms I1189M, I1203M, I1254M, I1104M, I1255M.
Identifiers: ClinVar variation 843761 (VCV000843761.13), dbSNP rs758229027, ClinGen allele CA374110982.